The following is an entry in ClinVar:

ClinVar aggregate classification (germline): Uncertain significance/VUS-mid. Review status: criteria provided, multiple submitters, no conflicts (2 of 4 stars). 10 submissions from 10 submitters: Uncertain significance (7); VUS-mid (1). 2 of the submissions do not count toward it. Last evaluated 2026-05-20.

Conditions:
ATM-related cancer predisposition. Also called: ATM-related cancer susceptibility. Identifiers: MedGen CN377759, MONDO:0700270.
ATM-related disorder. Also called: ATM-related disorders; ATM-related condition.
Hereditary cancer-predisposing syndrome. Also called: Neoplastic Syndromes, Hereditary; Tumor predisposition; Hereditary neoplastic syndrome; Hereditary Cancer Syndrome. Identifiers: Orphanet 140162, MedGen C0027672, MeSH D009386, MONDO:0015356.
Ataxia-telangiectasia syndrome (AT). Also called: Cerebello-oculocutaneous telangiectasia; Immunodeficiency with ataxia telangiectasia; AT, COMPLEMENTATION GROUP C; LOUIS-BAR SYNDROME; Ataxia-telangiectasia, complementation group E; ATAXIA-TELANGIECTASIA, COMPLEMENTATION GROUP A. Identifiers: Orphanet 100, MedGen C0004135, MONDO:0008840, OMIM 208900.
Familial cancer of breast. Also called: Hereditary breast cancer; BREAST CANCER, FAMILIAL; hereditary breast carcinoma. Identifiers: Orphanet 227535, MedGen C0346153, MONDO:0016419, OMIM 114480. Disease mechanism: loss of function.

Allele frequency attached by ClinVar (database versions not stated): gnomAD exomes 0.00001; TOPMed 0.00001.
gnomAD v4.1: 11 of 1,613,566 alleles (0.00068%); highest among the groups gnomAD compares: South Asian, 0.0055%; no homozygotes.

Submissions (10):

Centre for Medical Genetics,  Mumbai
Classification: VUS-mid for Familial cancer of breast. Last evaluated: 2026-05-20. Review status: criteria provided, single submitter. Criteria: ACMG Guidelines, 2015. Collection method: provider interpretation. Allele origin: germline. Inheritance: Autosomal dominant inheritance. Affected: yes. Observed: 1 variant allele, 1 heterozygote.
Comment: The variant satisfies PM2 criteria - extremely low frequency in gnomAD population databases. The variant satisfies PP2 criteria - missense variant in a gene with low rate of benign missense mutations and for which missense mutation is a common mechanism of a disease. The variant satisfies BP4 criteria - for a missense or a splice region variant, computational prediction tools unanimously support a benign effect on the gene. The variant satisfies PP3 criteria - for a missense or a splicing region variant, computational prediction tools unanimously support a deleterious effect on the gene. However, due to insufficient clinical evidence, it is a variant of uncertain significance.

Labcorp Genetics (formerly Invitae), Labcorp
Classification: Uncertain significance for Ataxia-telangiectasia syndrome. Last evaluated: 2026-01-18. Review status: criteria provided, single submitter. Criteria: Invitae Variant Classification Sherloc (09022015). Collection method: clinical testing. Allele origin: germline.
Comment: This sequence change replaces serine, which is neutral and polar, with asparagine, which is neutral and polar, at codon 759 of the ATM protein (p.Ser759Asn). This variant is not present in population databases (gnomAD no frequency). This missense change has been observed in individual(s) with breast and/or ovarian cancer (PMID: 19781682, 29470806). ClinVar contains an entry for this variant (Variation ID: 185556). Invitae Evidence Modeling of protein sequence and biophysical properties (such as structural, functional, and spatial information, amino acid conservation, physicochemical variation, residue mobility, and thermodynamic stability) indicates that this missense variant is not expected to disrupt ATM protein function with a negative predictive value of 95%. In summary, the available evidence is currently insufficient to determine the role of this variant in disease. Therefore, it has been classified as a Variant of Uncertain Significance.

PreventionGenetics, part of Exact Sciences
Classification: Uncertain significance for ATM-related condition. Last evaluated: 2026-01-12. Review status: criteria provided, single submitter. Criteria: ACMG Guidelines, 2015. Collection method: clinical testing. Allele origin: germline.
Comment: The ATM c.2276G>A variant is predicted to result in the amino acid substitution p.Ser759Asn. This variant has been observed in patients with breast and/or ovarian cancer (Table S2 - Tavtigian et al. 2009. PubMed ID: 19781682; Table S4 - Singh et al. 2018. PubMed ID: 29470806). This variant has not been reported in a large population database (gnomad), indicating this variant is rare. This variant is interpreted as uncertain in ClinVar (Variation ID: 185556). At this time, the clinical significance of this variant is uncertain due to the absence of conclusive functional and genetic evidence.

Ambry Genetics
Classification: Uncertain significance for Hereditary cancer-predisposing syndrome. Last evaluated: 2025-07-25. Review status: criteria provided, single submitter. Criteria: Ambry Variant Classification Scheme 2023. Collection method: clinical testing. Allele origin: germline.
Comment: The p.S759N variant (also known as c.2276G>A), located in coding exon 14 of the ATM gene, results from a G to A substitution at nucleotide position 2276. The serine at codon 759 is replaced by asparagine, an amino acid with highly similar properties. This alteration has been detected in 1/4112 breast cancer patients and 0/2399 healthy control individuals across numerous studies (Tavtigian S et al. Am J Hum Genet. 2009 Oct;85(4):427-46). Additionally, this alteration was observed in a study of 1010 unrelated Indian patients with breast and/or ovarian cancer (Singh J et al. Breast Cancer Res Treat, 2018 Jul;170:189-196). This amino acid position is well conserved in available vertebrate species. In addition, this alteration is predicted to be tolerated by in silico analysis. Since supporting evidence is limited at this time, the clinical significance of this alteration remains unclear.

Department of Pathology and Laboratory Medicine, Sinai Health System
Classification: Uncertain significance for ATM-related cancer predisposition. Last evaluated: 2024-09-17. Review status: criteria provided, single submitter. Criteria: ACMG Guidelines, 2015. Collection method: clinical testing. Allele origin: germline.

Baylor Genetics
Classification: Uncertain significance for Familial cancer of breast. Last evaluated: 2023-10-04. Review status: criteria provided, single submitter. Criteria: ACMG Guidelines, 2015. Collection method: clinical testing. Allele origin: unknown.

GeneDx
Classification: Uncertain significance. Last evaluated: 2023-08-25. Review status: criteria provided, single submitter. Criteria: GeneDx Variant Classification Process June 2021. Collection method: clinical testing. Allele origin: germline. Affected: yes.
Comment: Not observed at significant frequency in large population cohorts (gnomAD); In silico analysis supports that this missense variant does not alter protein structure/function; Identified in individuals with breast cancer without detailed clinical information provided (Tavtigian et al., 2009; Broeks et al., 2008); This variant is associated with the following publications: (PMID: 17393301, 29470806, 19781682)

Color Diagnostics, LLC DBA Color Health
Classification: Uncertain significance for Hereditary cancer-predisposing syndrome. Last evaluated: 2023-05-05. Review status: criteria provided, single submitter. Criteria: ACMG Guidelines, 2015. Collection method: clinical testing. Allele origin: germline.
Comment: This missense variant replaces serine with asparagine at codon 759 of the ATM protein. Computational prediction suggests that this variant may not impact protein structure and function (internally defined REVEL score threshold <= 0.5, PMID: 27666373). To our knowledge, functional studies have not been performed for this variant. This variant has been reported in an individual affected with breast cancer (PMID: 19781682). This variant has not been identified in the general population by the Genome Aggregation Database (gnomAD). The available evidence is insufficient to determine the role of this variant in disease conclusively. Therefore, this variant is classified as a Variant of Uncertain Significance.

Natera, Inc.
Classification: Uncertain significance for Ataxia-telangiectasia. Last evaluated: 2020-09-16. Review status: no assertion criteria provided. Collection method: clinical testing. Allele origin: germline. Not counted in ClinVar's aggregate classification.

Counsyl
Classification: Uncertain significance for Ataxia-telangiectasia syndrome. Last evaluated: 2017-06-19. Review status: no assertion criteria provided. Collection method: clinical testing. Allele origin: unknown. Not counted in ClinVar's aggregate classification.

Literature cited by the submitters: PubMed 114480 (cited by Centre for Medical Genetics,  Mumbai); PubMed 19781682 (cited by 3 submitters); PubMed 29470806 (cited by 3 submitters).

NM_000051.4(ATM):c.2276G>A (p.Ser759Asn)

Gene: ATM (ATM serine/threonine kinase; plus strand). Cytogenetic location: 11q22.3.
Variant type: single nucleotide variant.
Coding change: c.2276G>A on transcript NM_000051.4 (MANE Select); coding-DNA position 2276, G replaced by A.
Protein change: p.Ser759Asn; replaces serine 759 with asparagine.
Molecular consequence: missense variant.
Genome position (GRCh38, 1-based): chr11:108,257,506, G>A. VCF-style: chr11-108257506-G-A. GRCh37 (hg19) VCF-style: chr11-108128233-G-A.
Other names: c.2276G>A, p.Ser759Asn (NM_001351834.2); short protein forms S759N.
Identifiers: ClinVar variation 185556 (VCV000185556.29), dbSNP rs786202270, ClinGen allele CA192269.